The following is an entry in ClinVar:

ClinVar aggregate classification (germline): Uncertain significance (1 of 4 stars; one submission).

Conditions:
Hereditary sensory and autonomic neuropathy type 6. Also called: HSAN VI; Neuropathy, hereditary sensory and autonomic, type VI. Identifiers: Orphanet 314381, MedGen C3539003, MONDO:0013839, OMIM 614653.
Epidermolysis bullosa simplex 3, localized or generalized intermediate, with BP230 deficiency (EBS3). Also called: Epidermolysis bullosa simplex, autosomal recessive 2; Epidermolysis bullosa simplex due to BP230 deficiency. Identifiers: Orphanet 412181, MedGen C3809470, MONDO:0014180, OMIM 615425.

Submission:

Labcorp Genetics (formerly Invitae), Labcorp
Classification: Uncertain significance for Epidermolysis bullosa simplex 3, localized or generalized intermediate, with BP230 deficiency; Hereditary sensory and autonomic neuropathy type 6. Last evaluated: 2023-11-16. Review status: criteria provided, single submitter. Criteria: Invitae Variant Classification Sherloc (09022015). Collection method: clinical testing. Allele origin: germline.
Comment: The DST gene has multiple clinically relevant transcripts. This variant occurs in alternate transcript NM_015548.4, and corresponds to NM_001723.5:c.*62080_*62081delinsCT in the primary transcript. This sequence change replaces alanine, which is neutral and non-polar, with leucine, which is neutral and non-polar, at codon 2496 of the DST protein (p.Ala2496Leu). This variant is present in population databases (no rsID available, gnomAD 0.001%). This variant has not been reported in the literature in individuals affected with DST-related conditions. Experimental studies and prediction algorithms are not available or were not evaluated, and the functional significance of this variant is currently unknown. In summary, the available evidence is currently insufficient to determine the role of this variant in disease. Therefore, it has been classified as a Variant of Uncertain Significance.

NM_001374736.1(DST):c.15355_15356delinsCT (p.Ala5119Leu)

Gene: DST (dystonin; minus strand). Cytogenetic location: 6p12.1.
Variant type: Indel.
Coding change: c.15355_15356delinsCT on transcript NM_001374736.1 (MANE Select); coding-DNA positions 15355 to 15356, GC replaced by CT.
Protein change: p.Ala5119Leu; replaces alanine 5119 with leucine.
Molecular consequence: missense variant.
Genome position (GRCh38, 1-based): chr6:56,553,436-56,553,437, GC replaced by AG on the plus strand (GC replaced by CT on the coding strand, the reverse complement: DST is on the minus strand). VCF-style: chr6-56553436-GC-AG. GRCh37 (hg19) VCF-style: chr6-56418234-GC-AG.
Other names: c.8998_8999delinsCT, p.Ala3000Leu (NM_001144769.5); c.8584_8585delinsCT, p.Ala2862Leu (NM_001144770.2); c.15355_15356delinsCT, p.Ala5119Leu (NM_001374722.1); c.14722_14723delinsCT, p.Ala4908Leu (NM_001374729.1); c.8464_8465delinsCT, p.Ala2822Leu (NM_001374730.1, NM_001386100.1, NM_183380.4); c.15382_15383delinsCT, p.Ala5128Leu (NM_001374734.1); c.7486_7487delinsCT, p.Ala2496Leu (NM_015548.5); short protein forms A2862L, A5119L, A2822L, A3000L, A4908L, A2496L, A5128L.
Identifiers: ClinVar variation 2928486 (VCV002928486.3), dbSNP rs2535340477, ClinGen allele CA2740091374.